The following is an entry in ClinVar:

NM_032242.4(PLXNA1):c.3082A>G (p.Ile1028Val)

Gene: PLXNA1 (plexin A1; plus strand). Cytogenetic location: 3q21.3.
Variant type: single nucleotide variant.
Coding change: c.3082A>G on transcript NM_032242.4 (MANE Select); coding-DNA position 3082, A replaced by G.
Protein change: p.Ile1028Val; replaces isoleucine 1028 with valine.
Molecular consequence: missense variant.
Genome position (GRCh38, 1-based): chr3:127,016,584, A>G. VCF-style: chr3-127016584-A-G. GRCh37 (hg19) VCF-style: chr3-126735427-A-G.
Other names: short protein forms I1028V.
Identifiers: ClinVar variation 2411632 (VCV002411632.3), dbSNP rs200478874, ClinGen allele CA2593891.

ClinVar aggregate classification (germline): Uncertain significance. Review status: criteria provided, multiple submitters, no conflicts (2 of 4 stars). 2 submissions from 2 submitters: Uncertain significance (2). Last evaluated 2026-08-12.

Conditions:
PLXNA1-related disorder. Also called: PLXNA1-related condition.

Allele frequency attached by ClinVar (database versions not stated): ExAC 0.00001; gnomAD 0.00001; TOPMed 0.00001; gnomAD exomes 0.00003.

Submissions (2):

PreventionGenetics, part of Exact Sciences
Classification: Uncertain significance for PLXNA1-related condition. Last evaluated: 2026-08-12. Review status: criteria provided, single submitter. Criteria: ACMG Guidelines, 2015. Collection method: clinical testing. Allele origin: germline.
Comment: The PLXNA1 c.3082A>G variant is predicted to result in the amino acid substitution p.Ile1028Val. To our knowledge, this variant has not been reported in the literature. This variant is reported in 0.0018% of alleles in individuals of European (Non-Finnish) descent in gnomAD. At this time, the clinical significance of this variant is uncertain due to the absence of conclusive functional and genetic evidence.

Ambry Genetics
Classification: Uncertain significance. Last evaluated: 2022-09-27. Review status: criteria provided, single submitter. Criteria: Ambry Variant Classification Scheme 2023. Collection method: clinical testing. Allele origin: germline.